The following is an entry in ClinVar:

ClinVar aggregate classification (germline): Uncertain significance (1 of 4 stars; one submission).

gnomAD v4.1: 12 of 1,613,404 alleles (0.00074%); highest among the groups gnomAD compares: Middle Eastern, 0.18%; no homozygotes.

Submission:

Labcorp Genetics (formerly Invitae), Labcorp
Classification: Uncertain significance. Last evaluated: 2025-05-18. Review status: criteria provided, single submitter. Criteria: Invitae Variant Classification Sherloc (09022015). Collection method: clinical testing. Allele origin: germline.
Comment: This sequence change replaces lysine, which is basic and polar, with asparagine, which is neutral and polar, at codon 6 of the VCAN protein (p.Lys6Asn). This variant is not present in population databases (gnomAD no frequency). This variant has not been reported in the literature in individuals affected with VCAN-related conditions. An algorithm developed to predict the effect of missense changes on protein structure and function outputs the following: PolyPhen-2: "Benign". The asparagine amino acid residue is found in multiple mammalian species, which suggests that this missense change does not adversely affect protein function. In summary, the available evidence is currently insufficient to determine the role of this variant in disease. Therefore, it has been classified as a Variant of Uncertain Significance.

NM_004385.5(VCAN):c.18G>C (p.Lys6Asn)

Gene: VCAN (versican; plus strand). Cytogenetic location: 5q14.2.
Variant type: single nucleotide variant.
Coding change: c.18G>C on transcript NM_004385.5 (MANE Select); coding-DNA position 18, G replaced by C.
Protein change: p.Lys6Asn; replaces lysine 6 with asparagine.
Molecular consequence: missense variant.
Genome position (GRCh38, 1-based): chr5:83,483,536, G>C. VCF-style: chr5-83483536-G-C. GRCh37 (hg19) VCF-style: chr5-82779355-G-C.
Other names: c.18G>C, p.Lys6Asn (NM_001126336.3, NM_001164097.2, NM_001164098.2); short protein forms K6N.
Identifiers: ClinVar variation 4705215 (VCV004705215.1).